The following is an entry in ClinVar:

NM_002524.5(NRAS):c.178G>A (p.Gly60Arg)

Gene: NRAS (NRAS proto-oncogene, GTPase; minus strand). Cytogenetic location: 1p13.2.
Variant type: single nucleotide variant.
Coding change: c.178G>A on transcript NM_002524.5 (MANE Select); coding-DNA position 178, G replaced by A.
Protein change: p.Gly60Arg; replaces glycine 60 with arginine.
Molecular consequence: missense variant.
Genome position (GRCh38, 1-based): chr1:114,713,912, C>T on the plus strand (G>A on the coding strand, the complement: NRAS is on the minus strand). VCF-style: chr1-114713912-C-T. GRCh37 (hg19) VCF-style: chr1-115256533-C-T.
Other names: c.178G>A (LRG_92t1); short protein forms G60R.
Identifiers: ClinVar variation 561786 (VCV000561786.3), dbSNP rs1557982817, ClinGen allele CA341741634.

ClinVar aggregate classification (germline): Likely pathogenic. Review status: criteria provided, multiple submitters, no conflicts (2 of 4 stars). 2 submissions from 2 submitters: Likely pathogenic (2). Last evaluated 2024-08-14.

gnomAD v4.1: 1 of 1,611,264 alleles (0.000062%); highest among the groups gnomAD compares: Non-Finnish European, 0.000085%; no homozygotes.

Submissions (2):

GeneDx
Classification: Likely pathogenic. Last evaluated: 2024-08-14. Review status: criteria provided, single submitter. Criteria: GeneDx Variant Classification Process June 2021. Collection method: clinical testing. Allele origin: germline. Affected: yes.
Comment: Not observed at significant frequency in large population cohorts (gnomAD); Missense variants in this gene are a common cause of disease and they are underrepresented in the general population; In silico analysis supports that this missense variant has a deleterious effect on protein structure/function; Has not been previously published in an individual with NRAS-related disease as pathogenic or benign to our knowledge; This variant is associated with the following publications: (PMID: 28639239, 27251789, 26352389)

Clinical Genetics Laboratory, Skane University Hospital Lund
Classification: Likely pathogenic. Last evaluated: 2023-05-23. Review status: criteria provided, single submitter. Criteria: ACMG Guidelines, 2015. Collection method: clinical testing. Allele origin: germline. Affected: yes.